The following is an entry in ClinVar:

ClinVar aggregate classification (germline): Likely pathogenic (1 of 4 stars; one submission).

Conditions:
Niemann-Pick disease, type C1. Also called: NIEMANN-PICK DISEASE, VARIANT TYPE C1; NEUROVISCERAL STORAGE DISEASE WITH VERTICAL SUPRANUCLEAR OPHTHALMOPLEGIA; NIEMANN-PICK DISEASE WITH CHOLESTEROL ESTERIFICATION BLOCK; NIEMANN-PICK DISEASE WITHOUT SPHINGOMYELINASE DEFICIENCY; NIEMANN-PICK DISEASE, CHRONIC NEURONOPATHIC FORM. Identifiers: Orphanet 646, MedGen C3179455, MONDO:0009757, OMIM 257220.

Submission:

Natera, Inc.
Classification: Likely pathogenic for Niemann-Pick disease type C1. Last evaluated: 2025-06-26. Review status: criteria provided, single submitter. Criteria: Natera Variant Classification Schema (03/2026). Collection method: clinical testing. Allele origin: germline.
Comment: The c.3687_3704delinsGTAGAATTAATCC variant in NPC1 is a frameshift variant predicted to shift the reading frame and introduce a stop codon. This variant is expected to result in nonsense mediated decay, truncation, or a dysfunctional protein product. This variant is rare in the general population with a frequency below the threshold expected for the associated phenotype(s). Given the available evidence, this variant is classified as Likely Pathogenic.

NM_000271.5(NPC1):c.3687_3704delinsGTAGAATTAATCC (p.Tyr1229_Leu1235delinsTer)

Gene: NPC1 (NPC intracellular cholesterol transporter 1; minus strand). Cytogenetic location: 18q11.2.
Variant type: Indel.
Coding change: c.3687_3704delinsGTAGAATTAATCC on transcript NM_000271.5 (MANE Select); coding-DNA positions 3687 to 3704, TTTGGCCATGGTCTTACT replaced by GTAGAATTAATCC.
Protein change: p.Tyr1229_Leu1235delinsTer.
Molecular consequence: nonsense.
Genome position (GRCh38, 1-based): chr18:23,533,405-23,533,422, AGTAAGACCATGGCCAAA replaced by GGATTAATTCTAC on the plus strand (TTTGGCCATGGTCTTACT replaced by GTAGAATTAATCC on the coding strand, the reverse complement: NPC1 is on the minus strand). VCF-style: chr18-23533405-AGTAAGACCATGGCCAAA-GGATTAATTCTAC. GRCh37 (hg19) VCF-style: chr18-21113369-AGTAAGACCATGGCCAAA-GGATTAATTCTAC.
Identifiers: ClinVar variation 4818068 (VCV004818068.1).